The following is an entry in ClinVar:

ClinVar aggregate classification (germline): Uncertain significance (1 of 4 stars; one submission).

Submission:

Labcorp Genetics (formerly Invitae), Labcorp
Classification: Uncertain significance. Last evaluated: 2025-11-23. Review status: criteria provided, single submitter. Criteria: Invitae Variant Classification Sherloc (09022015). Collection method: clinical testing. Allele origin: germline.
Comment: This sequence change replaces proline, which is neutral and non-polar, with leucine, which is neutral and non-polar, at codon 313 of the LRRC8A protein (p.Pro313Leu). This variant is not present in population databases (gnomAD no frequency). This variant has not been reported in the literature in individuals affected with LRRC8A-related conditions. An algorithm developed to predict the effect of missense changes on protein structure and function (PolyPhen-2) suggests that this variant is likely to be disruptive. In summary, the available evidence is currently insufficient to determine the role of this variant in disease. Therefore, it has been classified as a Variant of Uncertain Significance.

NM_019594.4(LRRC8A):c.938C>T (p.Pro313Leu)

Gene: LRRC8A (leucine rich repeat containing 8 VRAC subunit A; plus strand). Cytogenetic location: 9q34.11.
Variant type: single nucleotide variant.
Coding change: c.938C>T on transcript NM_019594.4 (MANE Select); coding-DNA position 938, C replaced by T.
Protein change: p.Pro313Leu; replaces proline 313 with leucine.
Molecular consequence: missense variant.
Genome position (GRCh38, 1-based): chr9:128,908,102, C>T. VCF-style: chr9-128908102-C-T. GRCh37 (hg19) VCF-style: chr9-131670381-C-T.
Other names: c.938C>T, p.Pro313Leu (NM_001127244.2, NM_001127245.2); short protein forms P313L.
Identifiers: ClinVar variation 4780877 (VCV004780877.1).